The following is an entry in ClinVar:

ClinVar aggregate classification (germline): Uncertain significance (1 of 4 stars; one submission).

Allele frequency attached by ClinVar (database versions not stated): gnomAD exomes below 0.00001 and 0.00001; ExAC 0.00002.
gnomAD v4.1: 11 of 1,613,772 alleles (0.00068%); highest among the groups gnomAD compares: South Asian, 0.012%; no homozygotes.

Submission:

Labcorp Genetics (formerly Invitae), Labcorp
Classification: Uncertain significance. Last evaluated: 2021-06-29. Review status: criteria provided, single submitter. Criteria: Invitae Variant Classification Sherloc (09022015). Collection method: clinical testing. Allele origin: germline.
Comment: In summary, the available evidence is currently insufficient to determine the role of this variant in disease. Therefore, it has been classified as a Variant of Uncertain Significance. Algorithms developed to predict the effect of sequence changes on RNA splicing suggest that this variant may create or strengthen a splice site. Algorithms developed to predict the effect of missense changes on protein structure and function output the following: SIFT: "Tolerated"; PolyPhen-2: "Benign"; Align-GVGD: "Class C0". The serine amino acid residue is found in multiple mammalian species, which suggests that this missense change does not adversely affect protein function. This variant has not been reported in the literature in individuals affected with LEPR-related conditions. This variant is present in population databases (rs774852532, ExAC 0.01%). This sequence change replaces asparagine with serine at codon 395 of the LEPR protein (p.Asn395Ser). The asparagine residue is highly conserved and there is a small physicochemical difference between asparagine and serine.

NM_002303.6(LEPR):c.1184A>G (p.Asn395Ser)

Gene: LEPR (leptin receptor; plus strand). Cytogenetic location: 1p31.3.
Variant type: single nucleotide variant.
Coding change: c.1184A>G on transcript NM_002303.6 (MANE Select); coding-DNA position 1184, A replaced by G.
Protein change: p.Asn395Ser; replaces asparagine 395 with serine.
Molecular consequence: missense variant.
Genome position (GRCh38, 1-based): chr1:65,601,581, A>G. VCF-style: chr1-65601581-A-G. GRCh37 (hg19) VCF-style: chr1-66067264-A-G.
Other names: c.1184A>G, p.Asn395Ser (NM_001003679.3, NM_001003680.3, NM_001198687.2 and 2 more transcripts); short protein forms N395S.
Identifiers: ClinVar variation 1462592 (VCV001462592.8), dbSNP rs774852532, ClinGen allele CA894741.